The following is an entry in ClinVar:

NM_005802.5(TOPORS):c.2019T>A (p.Arg673=)

Gene: TOPORS (TOP1 binding arginine/serine rich protein, E3 ubiquitin ligase; minus strand). Cytogenetic location: 9p21.1.
Variant type: single nucleotide variant.
Coding change: c.2019T>A on transcript NM_005802.5 (MANE Select); coding-DNA position 2019, T replaced by A.
Protein change: p.Arg673=; no amino-acid change (arginine 673 retained).
Molecular consequence: synonymous variant.
Genome position (GRCh38, 1-based): chr9:32,542,506, A>T on the plus strand (T>A on the coding strand, the complement: TOPORS is on the minus strand). VCF-style: chr9-32542506-A-T. GRCh37 (hg19) VCF-style: chr9-32542504-A-T.
Other names: c.1824T>A, p.Arg608= (NM_001195622.2).
Identifiers: ClinVar variation 196424 (VCV000196424.28), dbSNP rs760719392, ClinGen allele CA243380.

ClinVar aggregate classification (germline): Conflicting classifications of pathogenicity. Review status: criteria provided, conflicting classifications (1 of 4 stars). 3 submissions from 3 submitters: Uncertain significance (1); Likely benign (2). Last evaluated 2024-11-27.

Allele frequency attached by ClinVar (database versions not stated): TOPMed 0.00012; gnomAD 0.00015 and 0.00017; gnomAD exomes 0.00016 and 0.00018; ExAC 0.00024.
gnomAD v4.1: 253 of 1,613,900 alleles (0.016%); highest among the groups gnomAD compares: Non-Finnish European, 0.02%; no homozygotes.

Submissions (3):

Blueprint Genetics
Classification: Likely benign. Last evaluated: 2024-11-27. Review status: criteria provided, single submitter. Criteria: ACMG Guidelines, 2015. Collection method: clinical testing. Allele origin: germline.

CeGaT Center for Human Genetics Tuebingen
Classification: Likely benign. Last evaluated: 2024-11-01. Review status: criteria provided, single submitter. Criteria: CeGaT Center For Human Genetics Tuebingen Variant Classification Criteria Version 2. Collection method: clinical testing. Allele origin: germline. Affected: yes. Observed: 2 variant alleles.
Comment: TOPORS: BP4, BP7

Eurofins Ntd Llc (ga)
Classification: Uncertain significance. Last evaluated: 2015-02-14. Review status: criteria provided, single submitter. Criteria: EGL Classification Definitions 2015. Collection method: clinical testing. Allele origin: germline. Observed: 1 variant allele, 1 heterozygote.